The following is an entry in ClinVar:

ClinVar aggregate classification (germline): Pathogenic (1 of 4 stars; one submission).

Allele frequency attached by ClinVar (database versions not stated): TOPMed below 0.00001.
gnomAD v4.1: 3 of 1,603,698 alleles (0.00019%); highest among the groups gnomAD compares: South Asian, 0.0011%; no homozygotes.

Submission:

Labcorp Genetics (formerly Invitae), Labcorp
Classification: Pathogenic. Last evaluated: 2023-10-16. Review status: criteria provided, single submitter. Criteria: Invitae Variant Classification Sherloc (09022015). Collection method: clinical testing. Allele origin: germline.
Comment: This sequence change creates a premature translational stop signal (p.Arg949*) in the EPHB4 gene. While this is not anticipated to result in nonsense mediated decay, it is expected to disrupt the last 39 amino acid(s) of the EPHB4 protein. This variant is not present in population databases (gnomAD no frequency). This premature translational stop signal has been observed in individual(s) with clinical features of capillary malformation-arteriovenous malformation (Invitae). In at least one individual the variant was observed to be de novo. For these reasons, this variant has been classified as Pathogenic.

NM_004444.5(EPHB4):c.2845C>T (p.Arg949Ter)

Gene: EPHB4 (EPH receptor B4; minus strand). Cytogenetic location: 7q22.1.
Variant type: single nucleotide variant.
Coding change: c.2845C>T on transcript NM_004444.5 (MANE Select); coding-DNA position 2845, C replaced by T.
Protein change: p.Arg949Ter; replaces arginine 949 with a stop codon.
Molecular consequence: nonsense.
Genome position (GRCh38, 1-based): chr7:100,803,580, G>A on the plus strand (C>T on the coding strand, the complement: EPHB4 is on the minus strand). VCF-style: chr7-100803580-G-A. GRCh37 (hg19) VCF-style: chr7-100401202-G-A.
Other names: short protein forms R949*.
Identifiers: ClinVar variation 2762553 (VCV002762553.3), dbSNP rs750862933, ClinGen allele CA368566143.